The following is an entry in ClinVar:

NM_203447.4(DOCK8):c.2606-103C>G

Gene: DOCK8 (dedicator of cytokinesis 8; plus strand). Cytogenetic location: 9p24.3.
Variant type: single nucleotide variant.
Coding change: c.2606-103C>G on transcript NM_203447.4 (MANE Select); 103 bases into the intron before coding-DNA position 2606, C replaced by G.
Molecular consequence: intron variant.
Genome position (GRCh38, 1-based): chr9:382,410, C>G. VCF-style: chr9-382410-C-G. GRCh37 (hg19) VCF-style: chr9-382410-C-G.
Other names: c.2402-103C>G (NM_001193536.2, NM_001190458.2).
Identifiers: ClinVar variation 676009 (VCV000676009.1), dbSNP rs748428, ClinGen allele CA187819811.

ClinVar aggregate classification (germline): Benign (1 of 4 stars; one submission).

Allele frequency attached by ClinVar (database versions not stated): gnomAD 0.03182; TOPMed 0.03470; 1000 Genomes Project 0.03494; 1000 Genomes Project 30x 0.03716.
gnomAD v4.1: 9,167 of 1,489,590 alleles (0.62%); highest among the groups gnomAD compares: African/African-American, 11%; 427 homozygotes.

Submission:

GeneDx
Classification: Benign. Last evaluated: 2018-06-19. Review status: criteria provided, single submitter. Criteria: GeneDx Variant Classification (06012015). Collection method: clinical testing. Allele origin: germline. Affected: yes.
Comment: This variant is considered likely benign or benign based on one or more of the following criteria: it is a conservative change, it occurs at a poorly conserved position in the protein, it is predicted to be benign by multiple in silico algorithms, and/or has population frequency not consistent with disease.